The following is an entry in ClinVar:

ClinVar aggregate classification (germline): Likely benign. Review status: criteria provided, multiple submitters, no conflicts (2 of 4 stars). 2 submissions from 2 submitters: Likely benign (2). Last evaluated 2025-08-03.

Conditions:
Pheochromocytoma. Also called: MAX-Related Hereditary Paraganglioma-Pheochromocytoma Syndrome. Identifiers: Orphanet 29072, MedGen C0031511, MONDO:0008233, OMIM 171300, HP:0002666.
Carney-Stratakis syndrome. Also called: PARAGANGLIOMA AND GASTROINTESTINAL STROMAL TUMOR. Identifiers: Orphanet 97286, MedGen C1847319, MONDO:0011740, OMIM 606864.
Cowden syndrome 3 (CWS3). Identifiers: Orphanet 201, MedGen CN166604, MONDO:0014045.
Paragangliomas with sensorineural hearing loss. Identifiers: MedGen C1868633.
Pheochromocytoma/paraganglioma syndrome 1. Also called: PARAGANGLIOMAS, FAMILIAL NONCHROMAFFIN, 1; PGL 1; Paragangliomas familial 1; SDHD-Related Hereditary Paraganglioma-Pheochromocytoma Syndrome; PARAGANGLIOMATA; Paragangliomas 1. Identifiers: Orphanet 29072, MedGen C3494181, MONDO:0008192, OMIM 168000.

Allele frequency attached by ClinVar (database versions not stated): TOPMed 0.00001.
gnomAD v4.1: 5 of 1,611,978 alleles (0.00031%); highest among the groups gnomAD compares: Non-Finnish European, 0.00034%; no homozygotes.

Submissions (2):

Labcorp Genetics (formerly Invitae), Labcorp
Classification: Likely benign for Carney-Stratakis syndrome; Paragangliomas with sensorineural hearing loss; Pheochromocytoma; Cowden syndrome 3. Last evaluated: 2025-08-03. Review status: criteria provided, single submitter. Criteria: Invitae Variant Classification Sherloc (09022015). Collection method: clinical testing. Allele origin: germline.

Myriad Genetics, Inc.
Classification: Likely benign for Pheochromocytoma/paraganglioma syndrome 1. Last evaluated: 2025-03-17. Review status: criteria provided, single submitter. Criteria: Myriad Autosomal Dominant, Autosomal Recessive and X-Linked Classification Criteria (2023). Collection method: clinical testing. Allele origin: unknown.
Comment: This variant is considered likely benign. This variant is intronic and is not expected to impact mRNA splicing.

NM_003002.4(SDHD):c.170-10C>T

Gene: SDHD (succinate dehydrogenase complex subunit D; plus strand). Cytogenetic location: 11q23.1.
Variant type: single nucleotide variant.
Coding change: c.170-10C>T on transcript NM_003002.4 (MANE Select); 10 bases into the intron before coding-DNA position 170, C replaced by T.
Molecular consequence: intron variant.
Genome position (GRCh38, 1-based): chr11:112,088,857, C>T. VCF-style: chr11-112088857-C-T. GRCh37 (hg19) VCF-style: chr11-111959581-C-T.
Other names: c.170-10C>T (NM_001276506.2); c.169+884C>T (NM_001276503.2); c.53-10C>T (NM_001276504.2).
Identifiers: ClinVar variation 533794 (VCV000533794.9), dbSNP rs952278127, ClinGen allele CA228551607.